The following is an entry in ClinVar:

ClinVar aggregate classification (germline): Uncertain significance (1 of 4 stars; one submission).

Conditions:
Symmetrical dyschromatosis of extremities (DSH). Also called: DYSCHROMATOSIS SYMMETRICA HEREDITARIA 1; RETICULATE ACROPIGMENTATION OF DOHI; SYMMETRIC DYSCHROMATOSIS OF THE EXTREMITIES; Dyschromatosis symmetrica hereditaria. Identifiers: Orphanet 41, MedGen C0406775, MONDO:0007483, OMIM 127400.
Aicardi-Goutieres syndrome 6 (AGS6). Identifiers: Orphanet 51, MedGen C3539013, MONDO:0014007, OMIM 615010.

gnomAD v4.1: 1 of 1,603,886 alleles (0.000062%); highest among the groups gnomAD compares: Non-Finnish European, 0.000085%; no homozygotes.

Submission:

Labcorp Genetics (formerly Invitae), Labcorp
Classification: Uncertain significance for Aicardi-Goutieres syndrome 6; Symmetrical dyschromatosis of extremities. Last evaluated: 2023-04-01. Review status: criteria provided, single submitter. Criteria: Invitae Variant Classification Sherloc (09022015). Collection method: clinical testing. Allele origin: germline.
Comment: This variant has not been reported in the literature in individuals affected with ADAR-related conditions. This variant is not present in population databases (gnomAD no frequency). This sequence change replaces arginine, which is basic and polar, with glycine, which is neutral and non-polar, at codon 91 of the ADAR protein (p.Arg91Gly). Algorithms developed to predict the effect of missense changes on protein structure and function output the following: SIFT: "Not Available"; PolyPhen-2: "Benign"; Align-GVGD: "Not Available". The glycine amino acid residue is found in multiple mammalian species, which suggests that this missense change does not adversely affect protein function. In summary, the available evidence is currently insufficient to determine the role of this variant in disease. Therefore, it has been classified as a Variant of Uncertain Significance.

NM_001111.5(ADAR):c.271A>G (p.Arg91Gly)

Gene: ADAR (adenosine deaminase RNA specific; minus strand). Cytogenetic location: 1q21.3.
Variant type: single nucleotide variant.
Coding change: c.271A>G on transcript NM_001111.5 (MANE Select); coding-DNA position 271, A replaced by G.
Protein change: p.Arg91Gly; replaces arginine 91 with glycine.
Molecular consequence: missense variant. On other transcripts: 5 prime UTR variant (3), intron variant (3).
Genome position (GRCh38, 1-based): chr1:154,602,371, T>C on the plus strand (A>G on the coding strand, the complement: ADAR is on the minus strand). VCF-style: chr1-154602371-T-C. GRCh37 (hg19) VCF-style: chr1-154574847-T-C.
Other names: c.-615A>G (NM_001025107.3, NM_001193495.2, NM_001365048.1); c.298A>G, p.Arg100Gly (NM_001365045.1); c.271A>G, p.Arg91Gly (NM_015840.4, NM_015841.4); c.-493+14A>G (NM_001365046.1, NM_001365049.1, NM_001365047.1); short protein forms R91G, R100G.
Identifiers: ClinVar variation 2946046 (VCV002946046.3), dbSNP rs1309997722, ClinGen allele CA342605113.
Genomic context (GRCh38, chr1:154,602,371, plus strand): 5'-GATGCTGGAACCCTCTCTGGAGCCCCTGACTTCTGAGATGCACGCCCCTGGGGACACCCC[T>C]GATGTCCACTTGCCTGCCTCTGGTACTGGAGGCAAGTAGTACTGGAAACCTTGGCCGGAG-3'
Protein context (NP_001102.3, residues 81-101): SSTRGRQVDI[Arg91Gly]GVPRGVHLRS